The following is an entry in ClinVar:

NM_000061.3(BTK):c.975-2A>G

Gene: BTK (Bruton tyrosine kinase; minus strand). Cytogenetic location: Xq22.1.
Variant type: single nucleotide variant.
Coding change: c.975-2A>G on transcript NM_000061.3 (MANE Select); the canonical splice acceptor site of the intron before coding-DNA position 975, A replaced by G.
Molecular consequence: splice acceptor variant.
Genome position (GRCh38, 1-based): chrX:101,358,439, T>C on the plus strand (A>G on the coding strand, the complement: BTK is on the minus strand). VCF-style: chrX-101358439-T-C. GRCh37 (hg19) VCF-style: chrX-100613427-T-C.
Other names: c.1077-2A>G (NM_001287344.2); c.975-2A>G (NM_001287345.2).
Identifiers: ClinVar variation 2629760 (VCV002629760.1), dbSNP rs2520571628, ClinGen allele CA413928649.

ClinVar aggregate classification (germline): Likely pathogenic (1 of 4 stars; one submission).

Conditions:
BTK-related disorder. Also called: BTK-related condition.

Submission:

PreventionGenetics, part of Exact Sciences
Classification: Likely pathogenic for BTK-related condition. Last evaluated: 2023-01-24. Review status: criteria provided, single submitter. Criteria: ACMG Guidelines, 2015. Collection method: clinical testing. Allele origin: germline.
Comment: The BTK c.975-2A>G variant is predicted to disrupt the AG splice acceptor site and interfere with normal splicing. To our knowledge, this variant has not been reported in the literature or in a large population database, indicating this variant is rare. Variants that disrupt the consensus splice acceptor site in BTK are expected to be pathogenic. Of note, variants that impact the c.975 splice site have been reported in individuals with agammaglobulinemia (Human Gene Mutation Data, HGMD). This variant is interpreted as likely pathogenic.